The following is an entry in ClinVar:

ClinVar aggregate classification (germline): Benign (1 of 4 stars; one submission).

Conditions:
Ehlers-Danlos syndrome, type 4 (EDSVASC). Also called: Ehlers-Danlos Syndrome Type IV; Ehlers-Danlos syndrome vascular type; Ehlers Danlos syndrome, ecchymotic type; Ehlers Danlos syndrome, arterial type; Ehlers Danlos syndrome, Sack-Barabas type. Identifiers: Orphanet 286, MedGen C0268338, MONDO:0017314, OMIM 130050.

Allele frequency attached by ClinVar (database versions not stated): 1000 Genomes Project 0.00739; 1000 Genomes Project 30x 0.00750; gnomAD 0.00599 and 0.00630; TOPMed 0.00711.

Submission:

Illumina Laboratory Services, Illumina
Classification: Benign for Ehlers-Danlos syndrome, type 4. Last evaluated: 2018-01-13. Review status: criteria provided, single submitter. Criteria: ICSL Variant Classification Criteria 13 December 2019. Collection method: clinical testing. Allele origin: germline.
Comment: This variant was observed in the ICSL laboratory as part of a predisposition screen in an ostensibly healthy population. It had not been previously curated by ICSL or reported in the Human Gene Mutation Database (HGMD: prior to June 1st, 2018), and was therefore a candidate for classification through an automated scoring system. Utilizing variant allele frequency, disease prevalence and penetrance estimates, and inheritance mode, an automated score was calculated to assess if this variant is too frequent to cause the disease. Based on the score and internal cut-off values, a variant classified as benign is not then subjected to further curation. The score for this variant resulted in a classification of benign for this disease.

NM_000090.4(COL3A1):c.*592T>A

Gene: COL3A1 (collagen type III alpha 1 chain; plus strand). Cytogenetic location: 2q32.2.
Variant type: single nucleotide variant.
Coding change: c.*592T>A on transcript NM_000090.4 (MANE Select); 592 bases downstream of the stop codon, T replaced by A.
Molecular consequence: 3 prime UTR variant.
Genome position (GRCh38, 1-based): chr2:189,012,366, T>A. VCF-style: chr2-189012366-T-A. GRCh37 (hg19) VCF-style: chr2-189877092-T-A.
Identifiers: ClinVar variation 333084 (VCV000333084.5), dbSNP rs115345151, ClinGen allele CA10613223.